The following is an entry in ClinVar:

NM_003239.5(TGFB3):c.55A>G (p.Thr19Ala)

Gene: TGFB3 (transforming growth factor beta 3; minus strand). Cytogenetic location: 14q24.3.
Variant type: single nucleotide variant.
Coding change: c.55A>G on transcript NM_003239.5 (MANE Select); coding-DNA position 55, A replaced by G.
Protein change: p.Thr19Ala; replaces threonine 19 with alanine.
Molecular consequence: missense variant.
Genome position (GRCh38, 1-based): chr14:75,980,839, T>C on the plus strand (A>G on the coding strand, the complement: TGFB3 is on the minus strand). VCF-style: chr14-75980839-T-C. GRCh37 (hg19) VCF-style: chr14-76447182-T-C.
Other names: c.55A>G, p.Thr19Ala (NM_001329938.2, NM_001329939.2); short protein forms T19A.
Identifiers: ClinVar variation 1748546 (VCV001748546.2), dbSNP rs2503024235, ClinGen allele CA390471781.
Genomic context (GRCh38, chr14:75,980,839, plus strand): 5'-TCTTCTTCTTGATGTGGCCGAAGTCCAAGGTGGTGCAAGTGGACAGAGAGAGGCTGACCG[T>C]GGCAAAGTTCAGCAGGGCCAGGACCACCAGAGCCCTTTGCAAGTGCATCTTCATGTGTGA-3'
Protein context (NP_003230.1, residues 9-29): LVVLALLNFA[Thr19Ala]VSLSLSTCTT

ClinVar aggregate classification (germline): Uncertain significance (1 of 4 stars; one submission).

Conditions:
Familial thoracic aortic aneurysm and aortic dissection (TAAD). Also called: Thoracic aortic aneurysms and dissections. Identifiers: Orphanet 91387, MedGen C4707243, MONDO:0019625.

Submission:

Ambry Genetics
Classification: Uncertain significance for Familial thoracic aortic aneurysm and aortic dissection. Last evaluated: 2020-01-24. Review status: criteria provided, single submitter. Criteria: Ambry Variant Classification Scheme 2023. Collection method: clinical testing. Allele origin: germline.
Comment: The p.T19A variant (also known as c.55A>G), located in coding exon 1 of the TGFB3 gene, results from an A to G substitution at nucleotide position 55. The threonine at codon 19 is replaced by alanine, an amino acid with similar properties. This amino acid position is not well conserved in available vertebrate species. In addition, this alteration is predicted to be tolerated by in silico analysis. Since supporting evidence is limited at this time, the clinical significance of this alteration remains unclear.